The following is an entry in ClinVar:

NM_000660.7(TGFB1):c.212G>A (p.Gly71Asp)

Genes: TGFB1 (transforming growth factor beta 1; minus strand), LOC130064510 (ATAC-STARR-seq lymphoblastoid silent region 10661; plus strand). Cytogenetic location: 19q13.2.
Variant type: single nucleotide variant.
Coding change: c.212G>A on transcript NM_000660.7 (MANE Select); coding-DNA position 212, G replaced by A.
Protein change: p.Gly71Asp; replaces glycine 71 with aspartic acid.
Molecular consequence: missense variant.
Genome position (GRCh38, 1-based): chr19:41,352,833, C>T on the plus strand (G>A on the coding strand, the complement: TGFB1 is on the minus strand). VCF-style: chr19-41352833-C-T. GRCh37 (hg19) VCF-style: chr19-41858738-C-T.
Other names: short protein forms G71D.
Identifiers: ClinVar variation 2079049 (VCV002079049.4), dbSNP rs2513392610, ClinGen allele CA406005540.

ClinVar aggregate classification (germline): Uncertain significance (1 of 4 stars; one submission).

Allele frequency attached by ClinVar (database versions not stated): gnomAD exomes below 0.00001.
gnomAD v4.1: 1 of 1,577,732 alleles (0.000063%); highest among the groups gnomAD compares: Non-Finnish European, 0.000086%; no homozygotes.

Submission:

Labcorp Genetics (formerly Invitae), Labcorp
Classification: Uncertain significance. Last evaluated: 2022-08-16. Review status: criteria provided, single submitter. Criteria: Invitae Variant Classification Sherloc (09022015). Collection method: clinical testing. Allele origin: germline.
Comment: This variant has not been reported in the literature in individuals affected with TGFB1-related conditions. This variant is not present in population databases (gnomAD no frequency). This sequence change replaces glycine, which is neutral and non-polar, with aspartic acid, which is acidic and polar, at codon 71 of the TGFB1 protein (p.Gly71Asp). Algorithms developed to predict the effect of missense changes on protein structure and function (SIFT, PolyPhen-2, Align-GVGD) all suggest that this variant is likely to be tolerated. In summary, the available evidence is currently insufficient to determine the role of this variant in disease. Therefore, it has been classified as a Variant of Uncertain Significance.